The following is an entry in ClinVar:

ClinVar aggregate classification (germline): Uncertain significance. Review status: criteria provided, multiple submitters, no conflicts (2 of 4 stars). 3 submissions from 3 submitters: Uncertain significance (3). Last evaluated 2026-02-09.

Conditions:
Bardet-Biedl syndrome (BBS). Identifiers: Orphanet 110, MedGen C0752166, MONDO:0015229.
BBS9-related disorder. Also called: BBS9-related condition.

Allele frequency attached by ClinVar (database versions not stated): gnomAD exomes below 0.00001; ExAC 0.00001; TOPMed 0.00002; gnomAD 0.00004; 1000 Genomes Project 30x 0.00016; 1000 Genomes Project 0.00020.
gnomAD v4.1: 10 of 1,613,024 alleles (0.00062%); highest among the groups gnomAD compares: Admixed American, 0.017%; no homozygotes.

Submissions (3):

PreventionGenetics, part of Exact Sciences
Classification: Uncertain significance for BBS9-related condition. Last evaluated: 2026-02-09. Review status: criteria provided, single submitter. Criteria: ACMG Guidelines, 2015. Collection method: clinical testing. Allele origin: germline.
Comment: The BBS9 c.1889A>G variant is predicted to result in the amino acid substitution p.Lys630Arg. To our knowledge, this variant has not been reported in the literature. This variant is reported in 0.0029% of alleles in individuals of Latino descent in gnomAD. At this time, the clinical significance of this variant is uncertain due to the absence of conclusive functional and genetic evidence.

Labcorp Genetics (formerly Invitae), Labcorp
Classification: Uncertain significance for Bardet-Biedl syndrome. Last evaluated: 2022-10-05. Review status: criteria provided, single submitter. Criteria: Invitae Variant Classification Sherloc (09022015). Collection method: clinical testing. Allele origin: germline.
Comment: This sequence change replaces lysine, which is basic and polar, with arginine, which is basic and polar, at codon 630 of the BBS9 protein (p.Lys630Arg). This variant is present in population databases (rs561404900, gnomAD 0.003%). This variant has not been reported in the literature in individuals affected with BBS9-related conditions. ClinVar contains an entry for this variant (Variation ID: 1314385). Advanced modeling of protein sequence and biophysical properties (such as structural, functional, and spatial information, amino acid conservation, physicochemical variation, residue mobility, and thermodynamic stability) performed at Invitae indicates that this missense variant is not expected to disrupt BBS9 protein function. In summary, the available evidence is currently insufficient to determine the role of this variant in disease. Therefore, it has been classified as a Variant of Uncertain Significance.

GeneDx
Classification: Uncertain significance. Last evaluated: 2021-04-09. Review status: criteria provided, single submitter. Criteria: GeneDx Variant Classification Process June 2021. Collection method: clinical testing. Allele origin: germline. Affected: yes.
Comment: Not observed at a significant frequency in large population cohorts (Lek et al., 2016); In silico analysis supports that this missense variant does not alter protein structure/function; Has not been previously published as pathogenic or benign to our knowledge

NM_198428.3(BBS9):c.1889A>G (p.Lys630Arg)

Gene: BBS9 (Bardet-Biedl syndrome 9; plus strand). Cytogenetic location: 7p14.3.
Variant type: single nucleotide variant.
Coding change: c.1889A>G on transcript NM_198428.3 (MANE Select); coding-DNA position 1889, A replaced by G.
Protein change: p.Lys630Arg; replaces lysine 630 with arginine.
Molecular consequence: missense variant. On other transcripts: non-coding transcript variant (3).
Genome position (GRCh38, 1-based): chr7:33,383,765, A>G. VCF-style: chr7-33383765-A-G. GRCh37 (hg19) VCF-style: chr7-33423377-A-G.
Other names: c.1784A>G, p.Lys595Arg (NM_001033604.2); c.1874A>G, p.Lys625Arg (NM_001033605.2); c.1889A>G, p.Lys630Arg (NM_001348036.1, NM_001348041.4, NM_001348043.3 and 1 more transcripts); c.1523A>G, p.Lys508Arg (NM_001348037.3, NM_001348045.3, NM_001348046.3); c.1616A>G, p.Lys539Arg (NM_001348038.3); c.1511A>G, p.Lys504Arg (NM_001348039.3); c.1769A>G, p.Lys590Arg (NM_001348040.3, NM_014451.4); c.1754A>G, p.Lys585Arg (NM_001348042.3); and 1 more; short protein forms K473R, K504R, K508R, K539R, K585R, K590R, K595R, K625R.
Identifiers: ClinVar variation 1314385 (VCV001314385.8), dbSNP rs561404900, ClinGen allele CA4214537.
Genomic context (GRCh38, chr7:33,383,765, plus strand): 5'-GGCTCATAACCAATGAGCTTATTCTTCGCCTTCAAGAATATTTTGAAAAACAGGGAGTCA[A>G]AGATTTTGCATGTTCTTTTTCGGGATCTATACCCCTTCAAGAATATTTTGAGTTGATTGA-3'
Protein context (NP_940820.1, residues 620-640): LQEYFEKQGV[Lys630Arg]DFACSFSGSI